The following is an entry in ClinVar:

NM_004700.4(KCNQ4):c.852C>T (p.Ile284=)

Gene: KCNQ4 (potassium voltage-gated channel subfamily Q member 4; plus strand). Cytogenetic location: 1p34.2.
Variant type: single nucleotide variant.
Coding change: c.852C>T on transcript NM_004700.4 (MANE Select); coding-DNA position 852, C replaced by T.
Protein change: p.Ile284=; no amino-acid change (isoleucine 284 retained).
Molecular consequence: synonymous variant.
Genome position (GRCh38, 1-based): chr1:40,819,892, C>T. VCF-style: chr1-40819892-C-T. GRCh37 (hg19) VCF-style: chr1-41285564-C-T.
Other names: c.852C>T, p.Ile284= (NM_172163.3); c.852C>T (NM_004700.3).
Identifiers: ClinVar variation 3638267 (VCV003638267.3).
Genomic context (GRCh38, chr1:40,819,892, plus strand): 5'-GCCCCCGTGACCAGTCCTGCCTGTAACCTGTTTGTGTCTCCAGATTACATTGACAACCAT[C>T]GGCTATGGTGACAAGACACCGCACACATGGCTGGGCAGGGTCCTGGCTGCTGGCTTCGCC-3'
Protein context (NP_004691.2, residues 274-294): LWWGTITLTT[Ile284=]GYGDKTPHTW

ClinVar aggregate classification (germline): Likely benign. Review status: criteria provided, multiple submitters, no conflicts (2 of 4 stars). 2 submissions from 2 submitters: Likely benign (2). Last evaluated 2025-10-29.

Conditions:
KCNQ4-related disorder. Also called: KCNQ4-related condition.

gnomAD v4.1: 22 of 1,613,650 alleles (0.0014%); highest among the groups gnomAD compares: East Asian, 0.011%; no homozygotes.

Submissions (2):

PreventionGenetics, part of Exact Sciences
Classification: Likely benign for KCNQ4-related condition. Last evaluated: 2025-10-29. Review status: criteria provided, single submitter. Criteria: ACMG Guidelines, 2015. Collection method: clinical testing. Allele origin: germline.
Comment: This variant is classified as likely benign based on ACMG/AMP sequence variant interpretation guidelines (Richards et al. 2015 PMID: 25741868, with internal and published modifications).

Labcorp Genetics (formerly Invitae), Labcorp
Classification: Likely benign. Last evaluated: 2024-06-02. Review status: criteria provided, single submitter. Criteria: Invitae Variant Classification Sherloc (09022015). Collection method: clinical testing. Allele origin: germline.